The following is an entry in ClinVar:

NM_001042492.3(NF1):c.2702del (p.Ser900_Leu901insTer)

Gene: NF1 (neurofibromin 1; plus strand). Cytogenetic location: 17q11.2.
Variant type: Deletion.
Coding change: c.2702del on transcript NM_001042492.3 (MANE Select); coding-DNA position 2702, one base deleted (T; older notation c.2702delT).
Protein change: p.Ser900_Leu901insTer.
Molecular consequence: nonsense. On other transcripts: frameshift variant (1).
Genome position (GRCh38, 1-based): chr17:31,229,317, T deleted; the last of 2 consecutive T bases (chr17:31,229,316-31,229,317); deleting either gives the same sequence. VCF-style (leftmost placement, unchanged base first): chr17-31229315-CT-C. GRCh37 (hg19) VCF-style: chr17-29556333-CT-C.
Other names: c.2702delT, p.Leu901Terfs (NM_000267.4).
Identifiers: ClinVar variation 1993277 (VCV001993277.4), dbSNP rs2508187274, ClinGen allele CA2580093356.
Genomic context (GRCh38, chr17:31,229,315, plus strand): 5'-GATGTCTTCAGAGGGAAACGCAGATACACCTGTCAGCAAATTTATGGATCGGCTGTTGTC[CT>C]TAATGGTGTGTAACCATGAGAAAGTGGGACTTCAAATACGGACCAATGTTAAGGATCTGG-3'

ClinVar aggregate classification (germline): Pathogenic (1 of 4 stars; one submission).

Conditions:
Neurofibromatosis, type 1 (NF1). Also called: VON RECKLINGHAUSEN DISEASE; Peripheral type neurofibromatosis; Neurofibromatosis, type I; NEUROFIBROMATOSIS, TYPE I, SOMATIC. Identifiers: Orphanet 636, MedGen C0027831, MONDO:0018975, OMIM 162200. Disease mechanism: loss of function.

Submission:

Labcorp Genetics (formerly Invitae), Labcorp
Classification: Pathogenic for Neurofibromatosis, type 1. Last evaluated: 2022-05-12. Review status: criteria provided, single submitter. Criteria: Invitae Variant Classification Sherloc (09022015). Collection method: clinical testing. Allele origin: germline.
Comment: For these reasons, this variant has been classified as Pathogenic. This variant has not been reported in the literature in individuals affected with NF1-related conditions. This variant is not present in population databases (gnomAD no frequency). This sequence change creates a premature translational stop signal (p.Leu901*) in the NF1 gene. It is expected to result in an absent or disrupted protein product. Loss-of-function variants in NF1 are known to be pathogenic (PMID: 10712197, 23913538).

Literature cited by the submitters: PubMed 10712197; PubMed 23913538.